The following is an entry in ClinVar:

ClinVar aggregate classification (germline): Uncertain significance (1 of 4 stars; one submission).

Conditions:
Inborn genetic diseases. Identifiers: MedGen C0950123, MeSH D030342.

Submission:

Ambry Genetics
Classification: Uncertain significance for Inborn genetic diseases. Last evaluated: 2023-11-24. Review status: criteria provided, single submitter. Criteria: Ambry Variant Classification Scheme 2023. Collection method: clinical testing. Allele origin: germline.
Comment: The p.L179I variant (also known as c.535C>A), located in coding exon 5 of the LRRK2 gene, results from a C to A substitution at nucleotide position 535. The leucine at codon 179 is replaced by isoleucine, an amino acid with highly similar properties. This amino acid position is conserved. In addition, this alteration is predicted to be tolerated by in silico analysis. Since supporting evidence is limited at this time, the clinical significance of this alteration remains unclear.

NM_198578.4(LRRK2):c.535C>A (p.Leu179Ile)

Gene: LRRK2 (leucine rich repeat kinase 2; plus strand). Cytogenetic location: 12q12.
Variant type: single nucleotide variant.
Coding change: c.535C>A on transcript NM_198578.4 (MANE Select); coding-DNA position 535, C replaced by A.
Protein change: p.Leu179Ile; replaces leucine 179 with isoleucine.
Molecular consequence: missense variant.
Genome position (GRCh38, 1-based): chr12:40,238,067, C>A. VCF-style: chr12-40238067-C-A. GRCh37 (hg19) VCF-style: chr12-40631869-C-A.
Other names: short protein forms L179I.
Identifiers: ClinVar variation 3229691 (VCV003229691.1), dbSNP rs2499420140, ClinGen allele CA384404174.